The following is an entry in ClinVar:

ClinVar aggregate classification (germline): Uncertain significance (1 of 4 stars; one submission).

Conditions:
Hereditary cancer-predisposing syndrome. Also called: Neoplastic Syndromes, Hereditary; Tumor predisposition; Hereditary neoplastic syndrome; Hereditary Cancer Syndrome. Identifiers: Orphanet 140162, MedGen C0027672, MeSH D009386, MONDO:0015356.

gnomAD v4.1: 1 of 1,551,522 alleles (0.000064%); highest among the groups gnomAD compares: Non-Finnish European, 0.000087%; no homozygotes.

Submission:

Ambry Genetics
Classification: Uncertain significance for Hereditary cancer-predisposing syndrome. Last evaluated: 2026-07-06. Review status: criteria provided, single submitter. Criteria: Ambry Variant Classification Scheme 2023. Collection method: clinical testing. Allele origin: germline.
Comment: The p.S470F variant (also known as c.1409C>T), located in coding exon 13 of the TSC2 gene, results from a C to T substitution at nucleotide position 1409. The serine at codon 470 is replaced by phenylalanine, an amino acid with highly dissimilar properties. This amino acid position is conserved. In addition, the in silico prediction for this alteration is inconclusive. Based on the available evidence, the clinical significance of this variant remains unclear.

NM_000548.5(TSC2):c.1409C>T (p.Ser470Phe)

Gene: TSC2 (TSC complex subunit 2; plus strand). Cytogenetic location: 16p13.3.
Variant type: single nucleotide variant.
Coding change: c.1409C>T on transcript NM_000548.5 (MANE Select); coding-DNA position 1409, C replaced by T.
Protein change: p.Ser470Phe; replaces serine 470 with phenylalanine.
Molecular consequence: missense variant. On other transcripts: non-coding transcript variant (5), intron variant (1).
Genome position (GRCh38, 1-based): chr16:2,063,019, C>T. VCF-style: chr16-2063019-C-T. GRCh37 (hg19) VCF-style: chr16-2113020-C-T.
Other names: c.1409C>T, p.Ser470Phe (NM_001077183.3, NM_001114382.3, NM_001363528.2 and 6 more transcripts); c.1298C>T, p.Ser433Phe (NM_001318827.2, NM_001406678.1, NM_001406670.1); c.1262C>T, p.Ser421Phe (NM_001318829.2, NM_001406675.1, NM_001406676.1 and 1 more transcripts); c.809C>T, p.Ser270Phe (NM_001318831.2, NM_001406680.1, NM_001406682.1 and 6 more transcripts); c.1442C>T, p.Ser481Phe (NM_001318832.2); c.1397C>T, p.Ser466Phe (NM_001406671.1, NM_001406673.1); c.1352C>T, p.Ser451Phe (NM_001406677.1); c.947C>T, p.Ser316Phe (NM_001406681.1); and 3 more; short protein forms S270F, S316F, S421F, S433F, S451F, S466F, S470F, S22F.
Identifiers: ClinVar variation 5031332 (VCV005031332.1).